The following is an entry in ClinVar:

NM_001005361.3(DNM2):c.1358G>A (p.Arg453Gln)

Gene: DNM2 (dynamin 2; plus strand). Cytogenetic location: 19p13.2.
Variant type: single nucleotide variant.
Coding change: c.1358G>A on transcript NM_001005361.3 (MANE Select); coding-DNA position 1358, G replaced by A.
Protein change: p.Arg453Gln; replaces arginine 453 with glutamine.
Molecular consequence: missense variant.
Genome position (GRCh38, 1-based): chr19:10,798,508, G>A. VCF-style: chr19-10798508-G-A. GRCh37 (hg19) VCF-style: chr19-10909184-G-A.
Other names: c.1358G>A, p.Arg453Gln (NM_001005360.3, NM_001005362.3, NM_001190716.2 and 1 more transcripts); short protein forms R453Q.
Identifiers: ClinVar variation 645458 (VCV000645458.13), dbSNP rs140043676, ClinGen allele CA9201130.

ClinVar aggregate classification (germline): Conflicting classifications of pathogenicity. Review status: criteria provided, conflicting classifications (1 of 4 stars). 3 submissions from 3 submitters: Uncertain significance (1); Likely benign (1). 1 of the submissions does not count toward it. Last evaluated 2025-10-09.

Conditions:
DNM2-related disorder. Also called: DNM2-related condition.
Charcot-Marie-Tooth disease dominant intermediate B (CMTDIB). Also called: CHARCOT-MARIE-TOOTH NEUROPATHY, DOMINANT INTERMEDIATE B; Charcot-Marie-Tooth disease dominant intermediate I; Charcot-Marie-Tooth disease dominant intermediate 1; CMT DI1. Identifiers: Orphanet 100044, Orphanet 228179, MedGen C1847902, MONDO:0011674, OMIM 606482.

Allele frequency attached by ClinVar (database versions not stated): gnomAD exomes 0.00002 and 0.00003; ExAC 0.00003; gnomAD 0.00003; TOPMed 0.00004; ESP Exome Variant Server 0.00031.
gnomAD v4.1: 36 of 1,614,066 alleles (0.0022%); highest among the groups gnomAD compares: Middle Eastern, 0.016%; no homozygotes.

Submissions (3):

Labcorp Genetics (formerly Invitae), Labcorp
Classification: Likely benign for Charcot-Marie-Tooth disease dominant intermediate B. Last evaluated: 2025-10-09. Review status: criteria provided, single submitter. Criteria: Invitae Variant Classification Sherloc (09022015). Collection method: clinical testing. Allele origin: germline.

Revvity Omics, Revvity
Classification: Uncertain significance. Last evaluated: 2019-11-07. Review status: criteria provided, single submitter. Criteria: ACMG Guidelines, 2015. Collection method: clinical testing. Allele origin: germline.

PreventionGenetics, part of Exact Sciences
Classification: Uncertain significance for DNM2-related condition. Last evaluated: 2024-08-08. Review status: no assertion criteria provided. Collection method: clinical testing. Allele origin: germline. Not counted in ClinVar's aggregate classification.
Comment: The DNM2 c.1358G>A variant is predicted to result in the amino acid substitution p.Arg453Gln. To our knowledge, this variant has not been reported in the literature. This variant is reported in 0.0087% of alleles in individuals of Latino descent in gnomAD. At this time, the clinical significance of this variant is uncertain due to the absence of conclusive functional and genetic evidence.